The following is an entry in ClinVar:

NM_138393.4(REEP6):c.455A>G (p.Asp152Gly)

Gene: REEP6 (receptor accessory protein 6; plus strand). Cytogenetic location: 19p13.3.
Variant type: single nucleotide variant.
Coding change: c.455A>G on transcript NM_138393.4 (MANE Select); coding-DNA position 455, A replaced by G.
Protein change: p.Asp152Gly; replaces aspartic acid 152 with glycine.
Molecular consequence: missense variant.
Genome position (GRCh38, 1-based): chr19:1,496,391, A>G. VCF-style: chr19-1496391-A-G. GRCh37 (hg19) VCF-style: chr19-1496390-A-G.
Other names: c.455A>G, p.Asp152Gly (NM_001329556.3); c.455A>G (NM_138393.1); short protein forms D152G.
Identifiers: ClinVar variation 958824 (VCV000958824.8), dbSNP rs772895249, ClinGen allele CA9047581.

ClinVar aggregate classification (germline): Uncertain significance. Review status: criteria provided, multiple submitters, no conflicts (2 of 4 stars). 3 submissions from 3 submitters: Uncertain significance (3). Last evaluated 2024-07-25.

Conditions:
Inborn genetic diseases. Identifiers: MedGen C0950123, MeSH D030342.

Allele frequency attached by ClinVar (database versions not stated): ExAC 0.00002; gnomAD 0.00002; gnomAD exomes 0.00002 and 0.00006; TOPMed 0.00005.
gnomAD v4.1: 85 of 1,613,058 alleles (0.0053%); highest among the groups gnomAD compares: Non-Finnish European, 0.0069%; no homozygotes.

Submissions (3):

Blueprint Genetics
Classification: Uncertain significance. Last evaluated: 2024-07-25. Review status: criteria provided, single submitter. Criteria: ACMG Guidelines, 2015. Collection method: clinical testing. Allele origin: germline.

Ambry Genetics
Classification: Uncertain significance for Inborn genetic diseases. Last evaluated: 2022-10-03. Review status: criteria provided, single submitter. Criteria: Ambry Variant Classification Scheme 2023. Collection method: clinical testing. Allele origin: germline.

Labcorp Genetics (formerly Invitae), Labcorp
Classification: Uncertain significance. Last evaluated: 2022-05-30. Review status: criteria provided, single submitter. Criteria: Invitae Variant Classification Sherloc (09022015). Collection method: clinical testing. Allele origin: germline.
Comment: This sequence change replaces aspartic acid, which is acidic and polar, with glycine, which is neutral and non-polar, at codon 152 of the REEP6 protein (p.Asp152Gly). This variant is present in population databases (rs772895249, gnomAD 0.005%). This variant has not been reported in the literature in individuals affected with REEP6-related conditions. ClinVar contains an entry for this variant (Variation ID: 958824). Experimental studies and prediction algorithms are not available or were not evaluated, and the functional significance of this variant is currently unknown. In summary, the available evidence is currently insufficient to determine the role of this variant in disease. Therefore, it has been classified as a Variant of Uncertain Significance.